The following is an entry in ClinVar:

ClinVar aggregate classification (germline): Uncertain significance (1 of 4 stars; one submission).

Conditions:
Generalized epilepsy with febrile seizures plus, type 7 (GEFSP7). Also called: GEFS+, TYPE 7. Identifiers: Orphanet 36387, MedGen C2751778, MONDO:0013470, OMIM 613863.
Neuropathy, hereditary sensory and autonomic, type 2A (HSAN2A). Also called: HSAN IIA; ACROOSTEOLYSIS, GIACCAI TYPE; ACROOSTEOLYSIS, NEUROGENIC; WNK1-Related HSAN2 (HSAN2A); MORVAN DISEASE; NEUROPATHY, CONGENITAL SENSORY. Identifiers: Orphanet 970, MedGen C2752089, MONDO:0024309, OMIM 201300.

Submission:

Labcorp Genetics (formerly Invitae), Labcorp
Classification: Uncertain significance for Neuropathy, hereditary sensory and autonomic, type 2A; Generalized epilepsy with febrile seizures plus, type 7. Last evaluated: 2019-07-26. Review status: criteria provided, single submitter. Criteria: Invitae Variant Classification Sherloc (09022015). Collection method: clinical testing. Allele origin: germline.
Comment: This variant, c.3386_3388del, results in the deletion of 1 amino acid(s) of the SCN9A protein (p.Glu1129del), but otherwise preserves the integrity of the reading frame. In summary, the available evidence is currently insufficient to determine the role of this variant in disease. Therefore, it has been classified as a Variant of Uncertain Significance. Experimental studies and prediction algorithms are not available or were not evaluated for this variant, and the functional significance of the affected amino acid(s) is currently unknown. This variant has not been reported in the literature in individuals with SCN9A-related conditions. This variant is not present in population databases (ExAC no frequency).

NM_001365536.1(SCN9A):c.3416AAG[1] (p.Glu1140del)

Genes: SCN1A-AS1 (SCN1A and SCN9A antisense RNA 1; plus strand), SCN9A (sodium voltage-gated channel alpha subunit 9; minus strand). Cytogenetic location: 2q24.3.
Variant type: Microsatellite.
Coding change: c.3416AAG[1] on transcript NM_001365536.1 (MANE Select); one copy of the 3-base unit AAG starting at c.3416; the reference has two copies in a row; one copy, 3 bases deleted.
Protein change: p.Glu1140del; deletes glutamic acid 1140.
Molecular consequence: inframe deletion. On other transcripts: non-coding transcript variant (1), inframe indel (1).
Genome position (GRCh38, 1-based): chr2:166,251,816-166,251,818, CTT deleted on the plus strand (AAG on the coding strand, the reverse complement: SCN9A is on the minus strand); deleting any 3 consecutive bases within chr2:166,251,816-166,251,823 gives the same sequence; the position shown is the placement nearest the transcript's 3' end. VCF-style (leftmost placement, unchanged base first): chr2-166251815-GCTT-G. GRCh37 (hg19) VCF-style: chr2-167108325-GCTT-G.
Other names: c.3386_3388del (NM_002977.3); c.3381_3383AGA[1], p.Glu1129del (NM_002977.4); short protein forms E1129del, E1140del.
Identifiers: ClinVar variation 959620 (VCV000959620.10), dbSNP rs1185000025, ClinGen allele CA537512267.
Genomic context (GRCh38, chr2:166,251,815, plus strand): 5'-TTTGTCTTACCATCTGTGAAACAGGCCTCTGGCTCATCGGAATTCATAGGTTCAGCCTCT[GCTT>G]CTTCTCCTTCTCCAGGCAAAGGGTTATCAACTGTGCTGCACTCTGAGGAGCTTGACCGGT-3'